The following is an entry in ClinVar:

ClinVar aggregate classification (germline): Uncertain significance (1 of 4 stars; one submission).

Allele frequency attached by ClinVar (database versions not stated): gnomAD exomes below 0.00001; ExAC 0.00001; gnomAD 0.00001; TOPMed 0.00001.
gnomAD v4.1: 3 of 1,613,068 alleles (0.00019%); highest among the groups gnomAD compares: South Asian, 0.0011%; no homozygotes.

Submission:

Labcorp Genetics (formerly Invitae), Labcorp
Classification: Uncertain significance. Last evaluated: 2021-08-09. Review status: criteria provided, single submitter. Criteria: Invitae Variant Classification Sherloc (09022015). Collection method: clinical testing. Allele origin: germline.
Comment: This variant is present in population databases (rs749851800, ExAC 0.006%). This sequence change replaces isoleucine with threonine at codon 545 of the DHX38 protein (p.Ile545Thr). The isoleucine residue is highly conserved and there is a moderate physicochemical difference between isoleucine and threonine. This variant has not been reported in the literature in individuals affected with DHX38-related conditions. Algorithms developed to predict the effect of missense changes on protein structure and function (SIFT, PolyPhen-2, Align-GVGD) all suggest that this variant is likely to be disruptive. In summary, the available evidence is currently insufficient to determine the role of this variant in disease. Therefore, it has been classified as a Variant of Uncertain Significance.

NM_014003.4(DHX38):c.1634T>C (p.Ile545Thr)

Gene: DHX38 (DEAH-box helicase 38; plus strand). Cytogenetic location: 16q22.2.
Variant type: single nucleotide variant.
Coding change: c.1634T>C on transcript NM_014003.4 (MANE Select); coding-DNA position 1634, T replaced by C.
Protein change: p.Ile545Thr; replaces isoleucine 545 with threonine.
Molecular consequence: missense variant.
Genome position (GRCh38, 1-based): chr16:72,103,208, T>C. VCF-style: chr16-72103208-T-C. GRCh37 (hg19) VCF-style: chr16-72137107-T-C.
Other names: short protein forms I545T.
Identifiers: ClinVar variation 1490029 (VCV001490029.6), dbSNP rs749851800, ClinGen allele CA8160355.
Genomic context (GRCh38, chr16:72,103,208, plus strand): 5'-TCCTGGAGCAGAGGCAGTACCTGCCCATCTTTGCAGTGCAGCAGGAGCTGCTCACTATTA[T>C]CAGGTAACTTCACCCGGGGCCCAGGAATCTAGTGTCAAGTCAGGGGTGCCCTTGGTCTCC-3'
Protein context (NP_054722.2, residues 535-555): FAVQQELLTI[Ile545Thr]RDNSIVIVVG